The following is an entry in ClinVar:

ClinVar aggregate classification (germline): Pathogenic (1 of 4 stars; one submission).

Conditions:
Glycine encephalopathy. Also called: Non-ketotic hyperglycinemia; Nonketotic hyperglycinemia. Identifiers: Orphanet 407, MedGen C0751748, MONDO:0011612, HP:0008288.

Allele frequency attached by ClinVar (database versions not stated): gnomAD 0.00001; 1000 Genomes Project 30x 0.00016; 1000 Genomes Project 0.00020.
gnomAD v4.1: 5 of 1,613,402 alleles (0.00031%); highest among the groups gnomAD compares: African/African-American, 0.0013%; no homozygotes.

Submission:

Labcorp Genetics (formerly Invitae), Labcorp
Classification: Pathogenic for Glycine encephalopathy. Last evaluated: 2021-12-08. Review status: criteria provided, single submitter. Criteria: Invitae Variant Classification Sherloc (09022015). Collection method: clinical testing. Allele origin: germline.
Comment: For these reasons, this variant has been classified as Pathogenic. Advanced modeling of protein sequence and biophysical properties (such as structural, functional, and spatial information, amino acid conservation, physicochemical variation, residue mobility, and thermodynamic stability) performed at Invitae indicates that this missense variant is expected to disrupt GLDC protein function. This missense change has been observed in individual(s) with classic nonketotic hyperglycinemia (PMID: 27362913). In at least one individual the data is consistent with being in trans (on the opposite chromosome) from a pathogenic variant. This variant is present in population databases (rs570097430, gnomAD 0.007%). This sequence change replaces glutamine, which is neutral and polar, with lysine, which is basic and polar, at codon 370 of the GLDC protein (p.Gln370Lys).

Literature cited by the submitters: PubMed 27362913.

NM_000170.3(GLDC):c.1108C>A (p.Gln370Lys)

Gene: GLDC (glycine decarboxylase; minus strand). Cytogenetic location: 9p24.1.
Variant type: single nucleotide variant.
Coding change: c.1108C>A on transcript NM_000170.3 (MANE Select); coding-DNA position 1108, C replaced by A.
Protein change: p.Gln370Lys; replaces glutamine 370 with lysine.
Molecular consequence: missense variant.
Genome position (GRCh38, 1-based): chr9:6,602,156, G>T on the plus strand (C>A on the coding strand, the complement: GLDC is on the minus strand). VCF-style: chr9-6602156-G-T. GRCh37 (hg19) VCF-style: chr9-6602156-G-T.
Other names: short protein forms Q370K.
Identifiers: ClinVar variation 1452237 (VCV001452237.6), dbSNP rs570097430, ClinGen allele CA4980863.